The following is an entry in ClinVar:

NM_002292.4(LAMB2):c.4958T>C (p.Leu1653Pro)

Gene: LAMB2 (laminin subunit beta 2; minus strand). Cytogenetic location: 3p21.31.
Variant type: single nucleotide variant.
Coding change: c.4958T>C on transcript NM_002292.4 (MANE Select); coding-DNA position 4958, T replaced by C.
Protein change: p.Leu1653Pro; replaces leucine 1653 with proline.
Molecular consequence: missense variant.
Genome position (GRCh38, 1-based): chr3:49,121,826, A>G on the plus strand (T>C on the coding strand, the complement: LAMB2 is on the minus strand). VCF-style: chr3-49121826-A-G. GRCh37 (hg19) VCF-style: chr3-49159259-A-G.
Other names: short protein forms L1653P.
Identifiers: ClinVar variation 472491 (VCV000472491.8), dbSNP rs200761921, ClinGen allele CA2393645.
Genomic context (GRCh38, chr3:49,121,826, plus strand): 5'-TTCAATTTCAGAGCCTCCAGGAGAGCATCCAACTGCCGAGCCCTTTCACCTGCAGAGCTC[A>G]GTGCCCGCTCTGCACCTGCCATCCTCTCCTGTACCTGCCATGGGTGAGCCAAAGGTTACA-3'
Protein context (NP_002283.3, residues 1643-1663): QERMAGAERA[Leu1653Pro]SSAGERARQL

ClinVar aggregate classification (germline): Uncertain significance. Review status: criteria provided, multiple submitters, no conflicts (2 of 4 stars). 2 submissions from 2 submitters: Uncertain significance (2). Last evaluated 2024-09-20.

Conditions:
Pierson syndrome. Also called: MICROCORIA-CONGENITAL NEPHROTIC SYNDROME. Identifiers: Orphanet 2670, MedGen C1836876, MONDO:0012184, OMIM 609049.
LAMB2-related infantile-onset nephrotic syndrome. Also called: NEPHROTIC SYNDROME, TYPE 5, WITHOUT OCULAR ABNORMALITIES; NEPHROTIC SYNDROME, TYPE 5, WITH OCULAR ABNORMALITIES; Nephrotic Syndrome, type 5. Identifiers: Orphanet 306507, MedGen C3280113, MONDO:0013621, OMIM 614199.

Allele frequency attached by ClinVar (database versions not stated): ExAC 0.00002; gnomAD exomes 0.00004 and 0.00011; TOPMed 0.00008; gnomAD 0.00009 and 0.00010; 1000 Genomes Project 30x 0.00016; 1000 Genomes Project 0.00020.
gnomAD v4.1: 173 of 1,613,134 alleles (0.011%); highest among the groups gnomAD compares: Non-Finnish European, 0.014%; no homozygotes.

Submissions (2):

Victorian Clinical Genetics Services, Murdoch Childrens Research Institute
Classification: Uncertain significance for LAMB2-related infantile-onset nephrotic syndrome. Last evaluated: 2024-09-20. Review status: criteria provided, single submitter. Criteria: ACMG Guidelines, 2015. Collection method: clinical testing. Allele origin: germline. Inheritance: Autosomal recessive inheritance. Affected: yes.
Comment: Based on the classification scheme VCGS_Germline_v1.3.4, this variant is classified as VUS-3B. Following criteria are met: 0102 - Loss of function is a known mechanism of disease in this gene and is associated with nephrotic syndrome, type 5, with or without ocular abnormalities (MIM#614199) and Pierson syndrome (MIM#609049). (I) 0106 - This gene is associated with autosomal recessive disease. (I) 0200 - Variant is predicted to result in a missense amino acid change from leucine to proline. (I) 0251 - This variant is heterozygous. (I) 0304 - Variant is present in gnomAD (v3) <0.01 for a recessive condition (15 heterozygotes, 0 homozygote). (SP) 0502 - Missense variant with conflicting in silico predictions and uninformative conservation. (I) 0604 - Variant is not located in an established domain, motif, hotspot or informative constraint region. (I) 0705 - No comparable missense variants have previous evidence for pathogenicity. (I) 0809 - Previous evidence of pathogenicity for this variant is inconclusive. This variant has been classified as a VUS by a clinical laboratory in ClinVar. (I) 0905 - No published segregation evidence has been identified for this variant. (I) 1007 - No published functional evidence has been identified for this variant. (I) 1208 - Inheritance information for this variant is not currently available in this individual. (I) Legend: (SP) - Supporting pathogenic, (I) - Information, (SB) - Supporting benign

Labcorp Genetics (formerly Invitae), Labcorp
Classification: Uncertain significance for LAMB2-related infantile-onset nephrotic syndrome; Pierson syndrome. Last evaluated: 2022-07-19. Review status: criteria provided, single submitter. Criteria: Invitae Variant Classification Sherloc (09022015). Collection method: clinical testing. Allele origin: germline.
Comment: This sequence change replaces leucine, which is neutral and non-polar, with proline, which is neutral and non-polar, at codon 1653 of the LAMB2 protein (p.Leu1653Pro). The frequency data for this variant in the population databases is considered unreliable, as metrics indicate poor data quality at this position in the gnomAD database. This variant has not been reported in the literature in individuals affected with LAMB2-related conditions. ClinVar contains an entry for this variant (Variation ID: 472491). Algorithms developed to predict the effect of missense changes on protein structure and function (SIFT, PolyPhen-2, Align-GVGD) all suggest that this variant is likely to be disruptive. In summary, the available evidence is currently insufficient to determine the role of this variant in disease. Therefore, it has been classified as a Variant of Uncertain Significance.